The following is an entry in ClinVar:

NM_001127198.5(TMC6):c.1753C>A (p.Pro585Thr)

Gene: TMC6 (transmembrane channel like 6; minus strand). Cytogenetic location: 17q25.3.
Variant type: single nucleotide variant.
Coding change: c.1753C>A on transcript NM_001127198.5 (MANE Select); coding-DNA position 1753, C replaced by A.
Protein change: p.Pro585Thr; replaces proline 585 with threonine.
Molecular consequence: missense variant.
Genome position (GRCh38, 1-based): chr17:78,119,355, G>T on the plus strand (C>A on the coding strand, the complement: TMC6 is on the minus strand). VCF-style: chr17-78119355-G-T. GRCh37 (hg19) VCF-style: chr17-76115436-G-T.
Other names: c.1753C>A, p.Pro585Thr (NM_001321185.1, NM_001374596.1, NM_001375353.1 and 2 more transcripts); c.1573C>A, p.Pro525Thr (NM_001374593.1, NM_001374594.1); c.1753C>A (NM_007267.6); short protein forms P525T, P585T.
Identifiers: ClinVar variation 1037563 (VCV001037563.5), dbSNP rs377112991, ClinGen allele CA8795577.

ClinVar aggregate classification (germline): Uncertain significance. Review status: criteria provided, multiple submitters, no conflicts (2 of 4 stars). 2 submissions from 2 submitters: Uncertain significance (2). Last evaluated 2024-11-13.

Conditions:
Inborn genetic diseases. Identifiers: MedGen C0950123, MeSH D030342.
Epidermodysplasia verruciformis. Identifiers: Orphanet 302, MedGen C0014522, MONDO:0009176.

Allele frequency attached by ClinVar (database versions not stated): TOPMed 0.00001; ExAC 0.00002; gnomAD 0.00002 and 0.00003; ESP Exome Variant Server 0.00008.
gnomAD v4.1: 61 of 1,613,930 alleles (0.0038%); highest among the groups gnomAD compares: Non-Finnish European, 0.0045%; no homozygotes.

Submissions (2):

Ambry Genetics
Classification: Uncertain significance for Inborn genetic diseases. Last evaluated: 2024-11-13. Review status: criteria provided, single submitter. Criteria: Ambry Variant Classification Scheme 2023. Collection method: clinical testing. Allele origin: germline.

Labcorp Genetics (formerly Invitae), Labcorp
Classification: Uncertain significance for Epidermodysplasia verruciformis. Last evaluated: 2022-10-13. Review status: criteria provided, single submitter. Criteria: Invitae Variant Classification Sherloc (09022015). Collection method: clinical testing. Allele origin: germline.
Comment: This sequence change replaces proline, which is neutral and non-polar, with threonine, which is neutral and polar, at codon 585 of the TMC6 protein (p.Pro585Thr). This variant is present in population databases (rs377112991, gnomAD 0.005%). This variant has not been reported in the literature in individuals affected with TMC6-related conditions. ClinVar contains an entry for this variant (Variation ID: 1037563). Algorithms developed to predict the effect of missense changes on protein structure and function are either unavailable or do not agree on the potential impact of this missense change (SIFT: "Not Available"; PolyPhen-2: "Probably Damaging"; Align-GVGD: "Not Available"). In summary, the available evidence is currently insufficient to determine the role of this variant in disease. Therefore, it has been classified as a Variant of Uncertain Significance.